The following is an entry in ClinVar:

ClinVar aggregate classification (germline): Uncertain significance (1 of 4 stars; one submission).

Conditions:
Early Myoclonic Encephalopathy. Identifiers: MedGen C0270855.

Submission:

Labcorp Genetics (formerly Invitae), Labcorp
Classification: Uncertain significance for Early Myoclonic Encephalopathy. Last evaluated: 2023-12-13. Review status: criteria provided, single submitter. Criteria: Invitae Variant Classification Sherloc (09022015). Collection method: clinical testing. Allele origin: germline.
Comment: This sequence change replaces leucine, which is neutral and non-polar, with valine, which is neutral and non-polar, at codon 317 of the KCND2 protein (p.Leu317Val). This variant is not present in population databases (gnomAD no frequency). This variant has not been reported in the literature in individuals affected with KCND2-related conditions. Advanced modeling of protein sequence and biophysical properties (such as structural, functional, and spatial information, amino acid conservation, physicochemical variation, residue mobility, and thermodynamic stability) performed at Invitae indicates that this missense variant is expected to disrupt KCND2 protein function with a positive predictive value of 80%. In summary, the available evidence is currently insufficient to determine the role of this variant in disease. Therefore, it has been classified as a Variant of Uncertain Significance.

NM_012281.3(KCND2):c.949C>G (p.Leu317Val)

Gene: KCND2 (potassium voltage-gated channel subfamily D member 2; plus strand). Cytogenetic location: 7q31.31.
Variant type: single nucleotide variant.
Coding change: c.949C>G on transcript NM_012281.3 (MANE Select); coding-DNA position 949, C replaced by G.
Protein change: p.Leu317Val; replaces leucine 317 with valine.
Molecular consequence: missense variant.
Genome position (GRCh38, 1-based): chr7:120,275,581, C>G. VCF-style: chr7-120275581-C-G. GRCh37 (hg19) VCF-style: chr7-119915635-C-G.
Other names: short protein forms L317V.
Identifiers: ClinVar variation 2702808 (VCV002702808.3), dbSNP rs3814462, ClinGen allele CA369132741.